The following is an entry in ClinVar:

NM_000264.5(PTCH1):c.1676T>C (p.Phe559Ser)

Gene: PTCH1 (patched 1; minus strand). Cytogenetic location: 9q22.32.
Variant type: single nucleotide variant.
Coding change: c.1676T>C on transcript NM_000264.5 (MANE Select); coding-DNA position 1676, T replaced by C.
Protein change: p.Phe559Ser; replaces phenylalanine 559 with serine.
Molecular consequence: missense variant. On other transcripts: non-coding transcript variant (1).
Genome position (GRCh38, 1-based): chr9:95,476,086, A>G on the plus strand (T>C on the coding strand, the complement: PTCH1 is on the minus strand). VCF-style: chr9-95476086-A-G. GRCh37 (hg19) VCF-style: chr9-98238368-A-G.
Other names: c.1478T>C, p.Phe493Ser (NM_001083602.3); c.1673T>C, p.Phe558Ser (NM_001083603.3); c.1223T>C, p.Phe408Ser (NM_001083604.3, NM_001083605.3, NM_001083606.3 and 1 more transcripts); c.1520T>C, p.Phe507Ser (NM_001354918.2); short protein forms F558S, F408S, F493S, F559S, F507S.
Identifiers: ClinVar variation 1989526 (VCV001989526.7), dbSNP rs2118252933, ClinGen allele CA374117980.

ClinVar aggregate classification (germline): Uncertain significance. Review status: criteria provided, multiple submitters, no conflicts (2 of 4 stars). 3 submissions from 3 submitters: Uncertain significance (3). Last evaluated 2026-05-05.

Conditions:
Hereditary cancer-predisposing syndrome. Also called: Neoplastic Syndromes, Hereditary; Tumor predisposition; Hereditary Cancer Syndrome; Hereditary neoplastic syndrome. Identifiers: Orphanet 140162, MedGen C0027672, MeSH D009386, MONDO:0015356.
Gorlin syndrome. Also called: Nevoid Basal Cell Carcinoma Syndrome; Basal cell nevus syndrome. Identifiers: Orphanet 377, MedGen C0004779, MONDO:0007187.

Submissions (3):

Ambry Genetics
Classification: Uncertain significance for Hereditary cancer-predisposing syndrome. Last evaluated: 2026-05-05. Review status: criteria provided, single submitter. Criteria: Ambry Variant Classification Scheme 2023. Collection method: clinical testing. Allele origin: germline.
Comment: The p.F559S variant (also known as c.1676T>C), located in coding exon 12 of the PTCH1 gene, results from a T to C substitution at nucleotide position 1676. The phenylalanine at codon 559 is replaced by serine, an amino acid with highly dissimilar properties. This amino acid position is conserved. In addition, this alteration is predicted to be deleterious by in silico analysis. Based on the available evidence, the clinical significance of this variant remains unclear.

Labcorp Genetics (formerly Invitae), Labcorp
Classification: Uncertain significance for Gorlin syndrome. Last evaluated: 2025-07-31. Review status: criteria provided, single submitter. Criteria: Invitae Variant Classification Sherloc (09022015). Collection method: clinical testing. Allele origin: germline.
Comment: This sequence change replaces phenylalanine, which is neutral and non-polar, with serine, which is neutral and polar, at codon 559 of the PTCH1 protein (p.Phe559Ser). This variant is not present in population databases (gnomAD no frequency). This variant has not been reported in the literature in individuals affected with PTCH1-related conditions. ClinVar contains an entry for this variant (Variation ID: 1989526). Invitae Evidence Modeling of protein sequence and biophysical properties (such as structural, functional, and spatial information, amino acid conservation, physicochemical variation, residue mobility, and thermodynamic stability) has been performed for this missense variant. However, the output from this modeling did not meet the statistical confidence thresholds required to predict the impact of this variant on PTCH1 protein function. In summary, the available evidence is currently insufficient to determine the role of this variant in disease. Therefore, it has been classified as a Variant of Uncertain Significance.

GeneDx
Classification: Uncertain significance. Last evaluated: 2025-03-10. Review status: criteria provided, single submitter. Criteria: GeneDx Variant Classification Process June 2021. Collection method: clinical testing. Allele origin: germline. Affected: yes.
Comment: Not observed at significant frequency in large population cohorts (gnomAD); In silico analysis supports that this missense variant has a deleterious effect on protein structure/function; Has not been previously published as pathogenic or benign to our knowledge; This variant is associated with the following publications: (PMID: 11369205)